The following is an entry in ClinVar:

NM_003482.4(KMT2D):c.2777C>T (p.Ser926Leu)

Gene: KMT2D (lysine methyltransferase 2D; minus strand). Cytogenetic location: 12q13.12.
Variant type: single nucleotide variant.
Coding change: c.2777C>T on transcript NM_003482.4 (MANE Select); coding-DNA position 2777, C replaced by T.
Protein change: p.Ser926Leu; replaces serine 926 with leucine.
Molecular consequence: missense variant.
Genome position (GRCh38, 1-based): chr12:49,050,906, G>A on the plus strand (C>T on the coding strand, the complement: KMT2D is on the minus strand). VCF-style: chr12-49050906-G-A. GRCh37 (hg19) VCF-style: chr12-49444689-G-A.
Other names: short protein forms S926L.
Identifiers: ClinVar variation 1945696 (VCV001945696.6), dbSNP rs200825022, ClinGen allele CA6548189.
Genomic context (GRCh38, chr12:49,050,906, plus strand): 5'-ACAGCTGTTCCAGAATAACAGAGTACTAACATCCCCTTACCTGGTGGCATCAGCTGAGGC[G>A]ACAAGGATGGCTCCCCAGATGGGGACAACGGCAGCTCCTCGGGCAGAGGGGACAGAGGTG-3'
Protein context (NP_003473.3, residues 916-936): PLSPSGEPSL[Ser926Leu]PQLMPPDPLP

ClinVar aggregate classification (germline): Conflicting classifications of pathogenicity. Review status: criteria provided, conflicting classifications (1 of 4 stars). 2 submissions from 2 submitters: Uncertain significance (1); Benign (1). Last evaluated 2023-08-11.

Conditions:
KMT2D-related disorder. Also called: KMT2D-Related Disorders.
Kabuki syndrome. Also called: NIIKAWA-KUROKI SYNDROME; Kabuki make-up syndrome. Identifiers: Orphanet 2322, MedGen C0796004, MONDO:0016512.

Allele frequency attached by ClinVar (database versions not stated): gnomAD exomes 0.00001; gnomAD 0.00004; ExAC 0.00005; TOPMed 0.00006.
gnomAD v4.1: 19 of 1,535,908 alleles (0.0012%); highest among the groups gnomAD compares: African/African-American, 0.011%; no homozygotes.

Submissions (2):

Labcorp Genetics (formerly Invitae), Labcorp
Classification: Benign for Kabuki syndrome. Last evaluated: 2023-08-11. Review status: criteria provided, single submitter. Criteria: Invitae Variant Classification Sherloc (09022015). Collection method: clinical testing. Allele origin: germline.

PreventionGenetics, part of Exact Sciences
Classification: Uncertain significance for KMT2D-related condition. Last evaluated: 2023-02-17. Review status: criteria provided, single submitter. Criteria: ACMG Guidelines, 2015. Collection method: clinical testing. Allele origin: germline.
Comment: The KMT2D c.2777C>T variant is predicted to result in the amino acid substitution p.Ser926Leu. To our knowledge, this variant has not been reported in the literature. This variant is reported in 0.020% of alleles in individuals of African descent in gnomAD. Although we suspect that this variant may be benign, at this time, the clinical significance of this variant is uncertain due to the absence of conclusive functional and genetic evidence.